The following is an entry in ClinVar:

NM_032776.3(JMJD1C):c.7360C>T (p.Leu2454Phe)

Gene: JMJD1C (jumonji domain containing 1C; minus strand). Cytogenetic location: 10q21.3.
Variant type: single nucleotide variant.
Coding change: c.7360C>T on transcript NM_032776.3 (MANE Select); coding-DNA position 7360, C replaced by T.
Protein change: p.Leu2454Phe; replaces leucine 2454 with phenylalanine.
Molecular consequence: missense variant. On other transcripts: non-coding transcript variant (1).
Genome position (GRCh38, 1-based): chr10:63,176,338, G>A on the plus strand (C>T on the coding strand, the complement: JMJD1C is on the minus strand). VCF-style: chr10-63176338-G-A. GRCh37 (hg19) VCF-style: chr10-64936098-G-A.
Other names: c.6496C>T, p.Leu2166Phe (NM_001318153.2); c.6814C>T, p.Leu2272Phe (NM_001318154.2, NM_001282948.2); c.7246C>T, p.Leu2416Phe (NM_001322252.2); c.6703C>T, p.Leu2235Phe (NM_001322254.2, NM_001322258.2); short protein forms L2235F, L2272F, L2416F, L2166F, L2454F.
Identifiers: ClinVar variation 3665903 (VCV003665903.2).
Genomic context (GRCh38, chr10:63,176,338, plus strand): 5'-GAAATAAGTTTGTATATACCTGATGAAGTGCTCCCGCTGGCAAAACAATAGCATCACCAA[G>A]GAACTGAATAAGAGTACAGGTTCTGACTCCATATTCTTCAAGCAGCCTTTGACGGAGCTT-3'
Protein context (NP_116165.1, residues 2444-2464): GVRTCTLIQF[Leu2454Phe]GDAIVLPAGA

ClinVar aggregate classification (germline): Uncertain significance (1 of 4 stars; one submission).

Conditions:
Early Myoclonic Encephalopathy. Identifiers: MedGen C0270855.

gnomAD v4.1: 15 of 1,613,594 alleles (0.00093%); highest among the groups gnomAD compares: Non-Finnish European, 0.0011%; no homozygotes.

Submission:

Labcorp Genetics (formerly Invitae), Labcorp
Classification: Uncertain significance for Early Myoclonic Encephalopathy. Last evaluated: 2024-11-16. Review status: criteria provided, single submitter. Criteria: Invitae Variant Classification Sherloc (09022015). Collection method: clinical testing. Allele origin: germline.
Comment: This sequence change replaces leucine, which is neutral and non-polar, with phenylalanine, which is neutral and non-polar, at codon 2454 of the JMJD1C protein (p.Leu2454Phe). This variant is not present in population databases (gnomAD no frequency). This variant has not been reported in the literature in individuals affected with JMJD1C-related conditions. Invitae Evidence Modeling of protein sequence and biophysical properties (such as structural, functional, and spatial information, amino acid conservation, physicochemical variation, residue mobility, and thermodynamic stability) indicates that this missense variant is expected to disrupt JMJD1C protein function with a positive predictive value of 80%. In summary, the available evidence is currently insufficient to determine the role of this variant in disease. Therefore, it has been classified as a Variant of Uncertain Significance.